The following is an entry in ClinVar:

ClinVar aggregate classification (germline): Uncertain significance (1 of 4 stars; one submission).

Conditions:
Emery-Dreifuss muscular dystrophy (EDMD). Also called: Scapuloperoneal syndrome, X-linked (formerly); Humeroperoneal neuromuscular disease, (formerly). Identifiers: Orphanet 261, MedGen C0410189, MONDO:0016830.

Submission:

Labcorp Genetics (formerly Invitae), Labcorp
Classification: Uncertain significance for Emery-Dreifuss muscular dystrophy. Last evaluated: 2022-08-16. Review status: criteria provided, single submitter. Criteria: Invitae Variant Classification Sherloc (09022015). Collection method: clinical testing. Allele origin: germline.
Comment: ClinVar contains an entry for this variant (Variation ID: 1503977). Variants that disrupt the consensus splice site are a relatively common cause of aberrant splicing (PMID: 17576681, 9536098). Algorithms developed to predict the effect of sequence changes on RNA splicing suggest that this variant is not likely to affect RNA splicing. In summary, the available evidence is currently insufficient to determine the role of this variant in disease. Therefore, it has been classified as a Variant of Uncertain Significance. This sequence change falls in intron 6 of the SUN2 gene. It does not directly change the encoded amino acid sequence of the SUN2 protein. It affects a nucleotide within the consensus splice site. This variant is not present in population databases (gnomAD no frequency). This variant has not been reported in the literature in individuals affected with SUN2-related conditions.

Literature cited by the submitters: PubMed 17576681; PubMed 9536098.

NM_015374.3(SUN2):c.614+3G>A

Gene: SUN2 (Sad1 and UNC84 domain containing 2; minus strand). Cytogenetic location: 22q13.1.
Variant type: single nucleotide variant.
Coding change: c.614+3G>A on transcript NM_015374.3 (MANE Select); 3 bases into the intron after coding-DNA position 614, G replaced by A.
Molecular consequence: intron variant.
Genome position (GRCh38, 1-based): chr22:38,749,763, C>T on the plus strand (G>A on the coding strand, the complement: SUN2 is on the minus strand). VCF-style: chr22-38749763-C-T. GRCh37 (hg19) VCF-style: chr22-39145768-C-T.
Other names: c.123-980G>A (NM_001394443.1); c.524+3G>A (NM_001394438.1); c.476+3G>A (NM_001394439.1, NM_001394441.1, NM_001394440.1); c.614+3G>A (NM_001394444.1, NM_001394442.1, NM_001394437.1 and 9 more transcripts); c.677+3G>A (NM_001199579.2, NM_001394428.1); c.659+3G>A (NM_001394430.1, NM_001394429.1).
Identifiers: ClinVar variation 1503977 (VCV001503977.6), dbSNP rs2146065638, ClinGen allele CA2573158209.